The following is an entry in ClinVar:

NM_003482.4(KMT2D):c.4324C>T (p.Leu1442=)

Gene: KMT2D (lysine methyltransferase 2D; minus strand). Cytogenetic location: 12q13.12.
Variant type: single nucleotide variant.
Coding change: c.4324C>T on transcript NM_003482.4 (MANE Select); coding-DNA position 4324, C replaced by T.
Protein change: p.Leu1442=; no amino-acid change (leucine 1442 retained).
Molecular consequence: synonymous variant.
Genome position (GRCh38, 1-based): chr12:49,046,703, G>A on the plus strand (C>T on the coding strand, the complement: KMT2D is on the minus strand). VCF-style: chr12-49046703-G-A. GRCh37 (hg19) VCF-style: chr12-49440486-G-A.
Identifiers: ClinVar variation 725113 (VCV000725113.6), dbSNP rs1364520963, ClinGen allele CA479713230.

ClinVar aggregate classification (germline): Likely benign. Review status: criteria provided, single submitter (1 of 4 stars). 2 submissions from 2 submitters: Likely benign (1). 1 of the submissions does not count toward it. Last evaluated 2025-08-21.

Conditions:
Kabuki syndrome. Also called: Kabuki make-up syndrome; NIIKAWA-KUROKI SYNDROME. Identifiers: Orphanet 2322, MedGen C0796004, MONDO:0016512.
KMT2D-related disorder. Also called: KMT2D-Related Disorders.

Allele frequency attached by ClinVar (database versions not stated): gnomAD 0.00001; gnomAD exomes 0.00002; TOPMed 0.00002.
gnomAD v4.1: 7 of 1,613,828 alleles (0.00043%); highest among the groups gnomAD compares: Non-Finnish European, 0.00059%; no homozygotes.

Submissions (2):

Labcorp Genetics (formerly Invitae), Labcorp
Classification: Likely benign for Kabuki syndrome. Last evaluated: 2025-08-21. Review status: criteria provided, single submitter. Criteria: Invitae Variant Classification Sherloc (09022015). Collection method: clinical testing. Allele origin: germline.

PreventionGenetics, part of Exact Sciences
Classification: Likely benign for KMT2D-related condition. Last evaluated: 2023-01-03. Review status: no assertion criteria provided. Collection method: clinical testing. Allele origin: germline. Not counted in ClinVar's aggregate classification.
Comment: This variant is classified as likely benign based on ACMG/AMP sequence variant interpretation guidelines (Richards et al. 2015 PMID: 25741868, with internal and published modifications).